The following is an entry in ClinVar:

ClinVar aggregate classification (germline): Uncertain significance (1 of 4 stars; one submission).

Submission:

Labcorp Genetics (formerly Invitae), Labcorp
Classification: Uncertain significance. Last evaluated: 2022-07-12. Review status: criteria provided, single submitter. Criteria: Invitae Variant Classification Sherloc (09022015). Collection method: clinical testing. Allele origin: germline.
Comment: This sequence change replaces lysine, which is basic and polar, with asparagine, which is neutral and polar, at codon 310 of the SRP72 protein (p.Lys310Asn). This variant is not present in population databases (gnomAD no frequency). This variant has not been reported in the literature in individuals affected with SRP72-related conditions. ClinVar contains an entry for this variant (Variation ID: 1494790). Algorithms developed to predict the effect of missense changes on protein structure and function are either unavailable or do not agree on the potential impact of this missense change (SIFT: "Tolerated"; PolyPhen-2: "Possibly Damaging"; Align-GVGD: "Class C0"). In summary, the available evidence is currently insufficient to determine the role of this variant in disease. Therefore, it has been classified as a Variant of Uncertain Significance.

NM_006947.4(SRP72):c.930A>C (p.Lys310Asn)

Gene: SRP72 (signal recognition particle 72; plus strand). Cytogenetic location: 4q12.
Variant type: single nucleotide variant.
Coding change: c.930A>C on transcript NM_006947.4 (MANE Select); coding-DNA position 930, A replaced by C.
Protein change: p.Lys310Asn; replaces lysine 310 with asparagine.
Molecular consequence: missense variant. On other transcripts: non-coding transcript variant (1).
Genome position (GRCh38, 1-based): chr4:56,483,243, A>C. VCF-style: chr4-56483243-A-C. GRCh37 (hg19) VCF-style: chr4-57349409-A-C.
Other names: c.747A>C, p.Lys249Asn (NM_001267722.2); short protein forms K249N, K310N.
Identifiers: ClinVar variation 1494790 (VCV001494790.8), dbSNP rs2110121531, ClinGen allele CA356999425.